The following is an entry in ClinVar:

ClinVar aggregate classification (germline): Uncertain significance. Review status: criteria provided, multiple submitters, no conflicts (2 of 4 stars). 3 submissions from 3 submitters: Uncertain significance (3). Last evaluated 2024-01-16.

Conditions:
Familial hemophagocytic lymphohistiocytosis 5. Also called: STXBP2-Related Familial Hemophagocytic Lymphohistiocytosis (STXBP2-fHLH). Identifiers: Orphanet 540, MedGen C2751293, MONDO:0013135, OMIM 613101.

Allele frequency attached by ClinVar (database versions not stated): gnomAD exomes 0.00001 and 0.00002; ExAC 0.00002; gnomAD 0.00004; TOPMed 0.00006; ESP Exome Variant Server 0.00008.
gnomAD v4.1: 42 of 1,613,844 alleles (0.0026%); highest among the groups gnomAD compares: Admixed American, 0.005%; no homozygotes.

Submissions (3):

Mayo Clinic Laboratories, Mayo Clinic
Classification: Uncertain significance. Last evaluated: 2024-01-16. Review status: criteria provided, single submitter. Criteria: ACMG Guidelines, 2015. Collection method: clinical testing. Allele origin: germline. Observed: 1 variant allele.
Comment: BP4, PM1_supporting, PM2_moderate

Blueprint Genetics
Classification: Uncertain significance. Last evaluated: 2023-05-04. Review status: criteria provided, single submitter. Criteria: ACMG Guidelines, 2015. Collection method: clinical testing. Allele origin: germline.

Labcorp Genetics (formerly Invitae), Labcorp
Classification: Uncertain significance for Familial hemophagocytic lymphohistiocytosis 5. Last evaluated: 2022-07-12. Review status: criteria provided, single submitter. Criteria: Invitae Variant Classification Sherloc (09022015). Collection method: clinical testing. Allele origin: germline.
Comment: This sequence change replaces alanine, which is neutral and non-polar, with threonine, which is neutral and polar, at codon 204 of the STXBP2 protein (p.Ala204Thr). This variant is present in population databases (rs373450263, gnomAD 0.003%). This variant has not been reported in the literature in individuals affected with STXBP2-related conditions. ClinVar contains an entry for this variant (Variation ID: 851937). Algorithms developed to predict the effect of missense changes on protein structure and function (SIFT, PolyPhen-2, Align-GVGD) all suggest that this variant is likely to be tolerated. In summary, the available evidence is currently insufficient to determine the role of this variant in disease. Therefore, it has been classified as a Variant of Uncertain Significance.

NM_006949.4(STXBP2):c.610G>A (p.Ala204Thr)

Gene: STXBP2 (syntaxin binding protein 2; plus strand). Cytogenetic location: 19p13.2.
Variant type: single nucleotide variant.
Coding change: c.610G>A on transcript NM_006949.4 (MANE Select); coding-DNA position 610, G replaced by A.
Protein change: p.Ala204Thr; replaces alanine 204 with threonine.
Molecular consequence: missense variant. On other transcripts: non-coding transcript variant (1).
Genome position (GRCh38, 1-based): chr19:7,642,065, G>A. VCF-style: chr19-7642065-G-A. GRCh37 (hg19) VCF-style: chr19-7706951-G-A.
Other names: p.Ala204Thr; c.601G>A, p.Ala201Thr (NM_001127396.3); c.643G>A, p.Ala215Thr (NM_001272034.2); short protein forms A201T, A215T, A204T.
Identifiers: ClinVar variation 851937 (VCV000851937.8), dbSNP rs373450263, ClinGen allele CA9143729.
Genomic context (GRCh38, chr19:7,642,065, plus strand): 5'-ATGTCCCCCGTGTCTGACCTCCCCGCCAGGGGCCCAGAGGACACAGCCCAGTTGGCCCAC[G>A]CCGTCCTGGCCAAGCTGAACGCCTTCAAGGCAGACACTCCCAGTCTGGGCGAGGTGAGGG-3'
Protein context (NP_008880.2, residues 194-214): GPEDTAQLAH[Ala204Thr]VLAKLNAFKA